The following is an entry in ClinVar:

NM_000642.3(AGL):c.978del (p.Lys326fs)

Gene: AGL (amylo-alpha-1,6-glucosidase and 4-alpha-glucanotransferase; plus strand). Cytogenetic location: 1p21.2.
Variant type: Deletion.
Coding change: c.978del on transcript NM_000642.3 (MANE Select); coding-DNA position 978, one base deleted (G; older notation c.978delG).
Protein change: p.Lys326fs; shifts the reading frame from lysine 326.
Molecular consequence: frameshift variant.
Genome position (GRCh38, 1-based): chr1:99,874,706, G deleted. VCF-style (leftmost placement, unchanged base first): chr1-99874705-AG-A. GRCh37 (hg19) VCF-style: chr1-100340261-AG-A.
Other names: c.978del, p.Lys326fs (NM_000028.3, NM_000643.3, NM_000644.3 and 3 more transcripts); c.930del, p.Lys310fs (NM_000646.3); c.774del, p.Lys258fs (NM_001425328.1, NM_001425329.1); c.600del, p.Lys200fs (NM_001425332.1); short protein forms K200fs, K258fs, K310fs, K326fs.
Identifiers: ClinVar variation 4814463 (VCV004814463.1).

ClinVar aggregate classification (germline): Likely pathogenic (1 of 4 stars; one submission).

Conditions:
Glycogen storage disease type III (GSD3). Also called: FORBES DISEASE; Cori disease. Identifiers: Orphanet 366, MedGen C0017922, MONDO:0009291, OMIM 232400.

Submission:

Natera, Inc.
Classification: Likely pathogenic for Glycogen storage disease type III. Last evaluated: 2024-08-06. Review status: criteria provided, single submitter. Criteria: Natera Variant Classification Schema (03/2026). Collection method: clinical testing. Allele origin: germline.
Comment: The c.978del variant in AGL is a frameshift variant predicted to shift the reading frame beginning at codon 326 and leads to a stop codon 23 codons downstream. This variant is expected to result in nonsense mediated decay, truncation, or a dysfunctional protein product. This variant is rare in the general population with a frequency below the threshold expected for the associated phenotype(s). Given the available evidence, this variant is classified as Likely Pathogenic.